The following is an entry in ClinVar:

ClinVar aggregate classification (germline): Benign/Likely benign. Review status: criteria provided, multiple submitters, no conflicts (2 of 4 stars). 3 submissions from 3 submitters: Benign (2); Likely benign (1). Last evaluated 2026-08-01.

Allele frequency attached by ClinVar (database versions not stated): ESP Exome Variant Server 0.00016; gnomAD 0.00140; 1000 Genomes Project 0.00300; gnomAD exomes 0.00639; ExAC 0.00919.

Submissions (3):

CeGaT Center for Human Genetics Tuebingen
Classification: Likely benign. Last evaluated: 2026-08-01. Review status: criteria provided, single submitter. Criteria: CeGaT Center For Human Genetics Tuebingen Variant Classification Criteria Version 2. Collection method: clinical testing. Allele origin: germline. Affected: yes. Observed: 2 variant alleles.
Comment: DGCR6: BP4, BP7

Labcorp Genetics (formerly Invitae), Labcorp
Classification: Benign. Last evaluated: 2017-05-27. Review status: criteria provided, single submitter. Criteria: Invitae Variant Classification Sherloc (09022015). Collection method: clinical testing. Allele origin: germline.

Breakthrough Genomics
Classification: Benign. Review status: criteria provided, single submitter. Criteria: ACMG Guidelines, 2015. Collection method: not provided. Allele origin: germline. Inheritance: Unknown mechanism. Affected: yes.

NM_005675.6(DGCR6):c.24G>A (p.Leu8=)

Gene: DGCR6 (DiGeorge syndrome critical region gene 6; plus strand). Cytogenetic location: 22q11.21.
Variant type: single nucleotide variant.
Coding change: c.24G>A on transcript NM_005675.6 (MANE Select); coding-DNA position 24, G replaced by A.
Protein change: p.Leu8=; no amino-acid change (leucine 8 retained).
Molecular consequence: synonymous variant.
Genome position (GRCh38, 1-based): chr22:18,906,398, G>A. VCF-style: chr22-18906398-G-A. GRCh37 (hg19) VCF-style: chr22-18893911-G-A.
Identifiers: ClinVar variation 779194 (VCV000779194.6), dbSNP rs187183577, ClinGen allele CA10094474.